The following is an entry in ClinVar:

NM_015073.3(SIPA1L3):c.750C>T (p.Leu250=)

Gene: SIPA1L3 (signal induced proliferation associated 1 like 3; plus strand). Cytogenetic location: 19q13.13.
Variant type: single nucleotide variant.
Coding change: c.750C>T on transcript NM_015073.3 (MANE Select); coding-DNA position 750, C replaced by T.
Protein change: p.Leu250=; no amino-acid change (leucine 250 retained).
Molecular consequence: synonymous variant.
Genome position (GRCh38, 1-based): chr19:38,082,315, C>T. VCF-style: chr19-38082315-C-T. GRCh37 (hg19) VCF-style: chr19-38572955-C-T.
Identifiers: ClinVar variation 3257457 (VCV003257457.17).

ClinVar aggregate classification (germline): Likely benign (1 of 4 stars; one submission).

gnomAD v4.1: 2 of 1,599,126 alleles (0.00013%); highest among the groups gnomAD compares: Non-Finnish European, 0.00017%; no homozygotes.

Submission:

CeGaT Center for Human Genetics Tuebingen
Classification: Likely benign. Last evaluated: 2024-07-01. Review status: criteria provided, single submitter. Criteria: CeGaT Center For Human Genetics Tuebingen Variant Classification Criteria Version 2. Collection method: clinical testing. Allele origin: germline. Affected: yes. Observed: 1 variant allele.
Comment: SIPA1L3: PM2:Supporting, BP4, BP7